The following is an entry in ClinVar:

ClinVar aggregate classification (germline): Pathogenic (1 of 4 stars; one submission).

Conditions:
Neuronal ceroid lipofuscinosis 1 (CLN1). Also called: CEROID LIPOFUSCINOSIS, NEURONAL, 1, VARIABLE AGE AT ONSET; PPT1-Related Neuronal Ceroid-Lipofuscinosis. Identifiers: Orphanet 228329, MedGen C1850451, MONDO:0009744, OMIM 256730.

Submission:

Labcorp Genetics (formerly Invitae), Labcorp
Classification: Pathogenic for Neuronal ceroid lipofuscinosis 1. Last evaluated: 2020-09-24. Review status: criteria provided, single submitter. Criteria: Invitae Variant Classification Sherloc (09022015). Collection method: clinical testing. Allele origin: germline.
Comment: This sequence change creates a premature translational stop signal (p.Trp17*) in the PPT1 gene. It is expected to result in an absent or disrupted protein product. This variant is not present in population databases (ExAC no frequency). This variant has not been reported in the literature in individuals with PPT1-related conditions. Loss-of-function variants in PPT1 are known to be pathogenic (PMID: 10679943, 21990111). For these reasons, this variant has been classified as Pathogenic.

Literature cited by the submitters: PubMed 10679943; PubMed 21990111.

NM_000310.4(PPT1):c.51G>A (p.Trp17Ter)

Gene: PPT1 (palmitoyl-protein thioesterase 1; minus strand). Cytogenetic location: 1p34.2.
Variant type: single nucleotide variant.
Coding change: c.51G>A on transcript NM_000310.4 (MANE Select); coding-DNA position 51, G replaced by A.
Protein change: p.Trp17Ter; replaces tryptophan 17 with a stop codon.
Molecular consequence: nonsense.
Genome position (GRCh38, 1-based): chr1:40,097,188, C>T on the plus strand (G>A on the coding strand, the complement: PPT1 is on the minus strand). VCF-style: chr1-40097188-C-T. GRCh37 (hg19) VCF-style: chr1-40562860-C-T.
Other names: c.51G>A, p.Trp17Ter (NM_001142604.2, NM_001363695.2); short protein forms W17*.
Identifiers: ClinVar variation 1074230 (VCV001074230.2), dbSNP rs2124494531, ClinGen allele CA339850792.